The following is an entry in ClinVar:

ClinVar aggregate classification (germline): Benign/Likely benign. Review status: criteria provided, multiple submitters, no conflicts (2 of 4 stars). 3 submissions from 3 submitters: Benign (1); Likely benign (2). Last evaluated 2026-02-01.

Allele frequency attached by ClinVar (database versions not stated): 1000 Genomes Project 0.00859; 1000 Genomes Project 30x 0.00968; ExAC 0.01962; gnomAD 0.02006 and 0.02043; gnomAD exomes 0.02040 and 0.02932; TOPMed 0.02202; ESP Exome Variant Server 0.02593.
gnomAD v4.1: 45,645 of 1,614,112 alleles (2.8%); highest among the groups gnomAD compares: Non-Finnish European, 3.4%; 826 homozygotes.

Submissions (3):

Labcorp Genetics (formerly Invitae), Labcorp
Classification: Benign. Last evaluated: 2026-02-01. Review status: criteria provided, single submitter. Criteria: Invitae Variant Classification Sherloc (09022015). Collection method: clinical testing. Allele origin: germline.

Laboratory for Molecular Medicine, Mass General Brigham Personalized Medicine
Classification: Likely benign. Last evaluated: 2016-03-29. Review status: criteria provided, single submitter. Criteria: LMM Criteria. Collection method: clinical testing. Allele origin: germline.
Comment: Variant identified in a genome or exome case(s) and assessed due to predicted null impact of the variant or pathogenic assertions in the literature or databases. Disclaimer: This variant has not undergone full assessment. The following are preliminary notes: Frequency, I think this gene may cause ciliopathy, but probably not PCD specifically

Breakthrough Genomics
Classification: Likely benign. Review status: criteria provided, single submitter. Criteria: ACMG Guidelines, 2015. Collection method: not provided. Allele origin: germline. Inheritance: Autosomal recessive inheritance. Affected: yes.

NM_012106.4(ARL2BP):c.259G>A (p.Glu87Lys)

Gene: ARL2BP (ARF like GTPase 2 binding protein; plus strand). Cytogenetic location: 16q13.
Variant type: single nucleotide variant.
Coding change: c.259G>A on transcript NM_012106.4 (MANE Select); coding-DNA position 259, G replaced by A.
Protein change: p.Glu87Lys; replaces glutamic acid 87 with lysine.
Molecular consequence: missense variant.
Genome position (GRCh38, 1-based): chr16:57,249,818, G>A. VCF-style: chr16-57249818-G-A. GRCh37 (hg19) VCF-style: chr16-57283730-G-A.
Other names: short protein forms E87K.
Identifiers: ClinVar variation 402395 (VCV000402395.14), dbSNP rs7198865, ClinGen allele CA8074903.